The following is an entry in ClinVar:

ClinVar aggregate classification (germline): Uncertain significance. Review status: criteria provided, multiple submitters, no conflicts (2 of 4 stars). 2 submissions from 2 submitters: Uncertain significance (2). Last evaluated 2023-08-22.

Conditions:
Inborn genetic diseases. Identifiers: MedGen C0950123, MeSH D030342.
Perlman syndrome (PRLMNS). Identifiers: Orphanet 2849, MedGen C0796113, MONDO:0009965, OMIM 267000.

Allele frequency attached by ClinVar (database versions not stated): gnomAD exomes below 0.00001; TOPMed 0.00001; gnomAD 0.00002.
gnomAD v4.1: 5 of 1,613,836 alleles (0.00031%); highest among the groups gnomAD compares: African/African-American, 0.004%; no homozygotes.

Submissions (2):

Ambry Genetics
Classification: Uncertain significance for Inborn genetic diseases. Last evaluated: 2023-08-22. Review status: criteria provided, single submitter. Criteria: Ambry Variant Classification Scheme 2023. Collection method: clinical testing. Allele origin: germline.

Labcorp Genetics (formerly Invitae), Labcorp
Classification: Uncertain significance for Perlman syndrome. Last evaluated: 2023-04-15. Review status: criteria provided, single submitter. Criteria: Invitae Variant Classification Sherloc (09022015). Collection method: clinical testing. Allele origin: germline.
Comment: This sequence change replaces lysine, which is basic and polar, with arginine, which is basic and polar, at codon 747 of the DIS3L2 protein (p.Lys747Arg). This variant is present in population databases (no rsID available, gnomAD 0.02%). This variant has not been reported in the literature in individuals affected with DIS3L2-related conditions. ClinVar contains an entry for this variant (Variation ID: 845908). Advanced modeling of protein sequence and biophysical properties (such as structural, functional, and spatial information, amino acid conservation, physicochemical variation, residue mobility, and thermodynamic stability) performed at Invitae indicates that this missense variant is not expected to disrupt DIS3L2 protein function. In summary, the available evidence is currently insufficient to determine the role of this variant in disease. Therefore, it has been classified as a Variant of Uncertain Significance.

NM_152383.5(DIS3L2):c.2240A>G (p.Lys747Arg)

Gene: DIS3L2 (DIS3 like 3'-5' exoribonuclease 2; plus strand). Cytogenetic location: 2q37.1.
Variant type: single nucleotide variant.
Coding change: c.2240A>G on transcript NM_152383.5 (MANE Select); coding-DNA position 2240, A replaced by G.
Protein change: p.Lys747Arg; replaces lysine 747 with arginine.
Molecular consequence: missense variant. On other transcripts: non-coding transcript variant (2), intron variant (1).
Genome position (GRCh38, 1-based): chr2:232,334,450, A>G. VCF-style: chr2-232334450-A-G. GRCh37 (hg19) VCF-style: chr2-233199160-A-G.
Other names: c.1582-8895A>G (NM_001257281.2); short protein forms K747R.
Identifiers: ClinVar variation 845908 (VCV000845908.9), dbSNP rs1193786415, ClinGen allele CA350977778.